The following is an entry in ClinVar:

NM_021220.4(OVOL2):c.534C>T (p.Asn178=)

Gene: OVOL2 (ovo like zinc finger 2; minus strand). Cytogenetic location: 20p11.23.
Variant type: single nucleotide variant.
Coding change: c.534C>T on transcript NM_021220.4 (MANE Select); coding-DNA position 534, C replaced by T.
Protein change: p.Asn178=; no amino-acid change (asparagine 178 retained).
Molecular consequence: synonymous variant.
Genome position (GRCh38, 1-based): chr20:18,024,930, G>A on the plus strand (C>T on the coding strand, the complement: OVOL2 is on the minus strand). VCF-style: chr20-18024930-G-A. GRCh37 (hg19) VCF-style: chr20-18005574-G-A.
Other names: c.138C>T, p.Asn46= (NM_001303461.1, NM_001303462.1).
Identifiers: ClinVar variation 3054874 (VCV003054874.2), dbSNP rs143621551, ClinGen allele CA9775182.
Genomic context (GRCh38, chr20:18,024,930, plus strand): 5'-ATGGATTTTCTTCAGGTGGGACTCCAGAGAGCAGCGCTGGGTGAAGGCTTTATTGCAGAC[G>A]TTGCATTTGTAGGGACGAATGCCTGAAAGGATGAGGGACAGACACAGCATCGGTTGGTCA-3'
Protein context (NP_067043.2, residues 168-188): THTGIRPYKC[Asn178=]VCNKAFTQRC

ClinVar aggregate classification (germline): Likely benign (0 of 4 stars; one submission).

Conditions:
OVOL2-related disorder. Also called: OVOL2-related condition.

Allele frequency attached by ClinVar (database versions not stated): gnomAD exomes 0.00004; ExAC 0.00014; 1000 Genomes Project 30x 0.00031; 1000 Genomes Project 0.00040; gnomAD 0.00051; TOPMed 0.00060; ESP Exome Variant Server 0.00069.
gnomAD v4.1: 146 of 1,612,464 alleles (0.0091%); highest among the groups gnomAD compares: African/African-American, 0.16%; no homozygotes.

Submission:

PreventionGenetics, part of Exact Sciences
Classification: Likely benign for OVOL2-related condition. Last evaluated: 2020-12-16. Review status: no assertion criteria provided. Collection method: clinical testing. Allele origin: germline.
Comment: This variant is classified as likely benign based on ACMG/AMP sequence variant interpretation guidelines (Richards et al. 2015 PMID: 25741868, with internal and published modifications).